The following is an entry in ClinVar:

NM_181426.2(CCDC39):c.9C>T (p.Ser3=)

Gene: CCDC39 (coiled-coil domain 39 molecular ruler complex subunit; minus strand). Cytogenetic location: 3q26.33.
Variant type: single nucleotide variant.
Coding change: c.9C>T on transcript NM_181426.2 (MANE Select); coding-DNA position 9, C replaced by T.
Protein change: p.Ser3=; no amino-acid change (serine 3 retained).
Molecular consequence: synonymous variant.
Genome position (GRCh38, 1-based): chr3:180,679,372, G>A on the plus strand (C>T on the coding strand, the complement: CCDC39 is on the minus strand). VCF-style: chr3-180679372-G-A. GRCh37 (hg19) VCF-style: chr3-180397160-G-A.
Identifiers: ClinVar variation 695979 (VCV000695979.16), dbSNP rs540762763, ClinGen allele CA2716276.

ClinVar aggregate classification (germline): Likely benign. Review status: criteria provided, multiple submitters, no conflicts (2 of 4 stars). 5 submissions from 5 submitters: Likely benign (4). 1 of the submissions does not count toward it. Last evaluated 2026-01-27.

Conditions:
CCDC39-related disorder. Also called: CCDC39-related condition.
Primary ciliary dyskinesia. Also called: Ciliary dyskinesia. Identifiers: Orphanet 244, MedGen C0008780, MONDO:0016575, HP:0012265.

Allele frequency attached by ClinVar (database versions not stated): gnomAD 0.00007 and 0.00008; TOPMed 0.00009; gnomAD exomes 0.00014; 1000 Genomes Project 30x 0.00016; ExAC 0.00017; 1000 Genomes Project 0.00020.
gnomAD v4.1: 110 of 1,613,688 alleles (0.0068%); highest among the groups gnomAD compares: Middle Eastern, 0.05%; no homozygotes.

Submissions (5):

Labcorp Genetics (formerly Invitae), Labcorp
Classification: Likely benign for Primary ciliary dyskinesia. Last evaluated: 2026-01-27. Review status: criteria provided, single submitter. Criteria: Invitae Variant Classification Sherloc (09022015). Collection method: clinical testing. Allele origin: germline.

Blueprint Genetics
Classification: Likely benign. Last evaluated: 2024-10-22. Review status: criteria provided, single submitter. Criteria: ACMG Guidelines, 2015. Collection method: clinical testing. Allele origin: germline.

Ambry Genetics
Classification: Likely benign for Primary ciliary dyskinesia. Last evaluated: 2022-12-04. Review status: criteria provided, single submitter. Criteria: Ambry Variant Classification Scheme 2023. Collection method: clinical testing. Allele origin: germline.

Breakthrough Genomics
Classification: Likely benign. Review status: criteria provided, single submitter. Criteria: ACMG Guidelines, 2015. Collection method: not provided. Allele origin: germline. Inheritance: Autosomal recessive inheritance. Affected: yes.

PreventionGenetics, part of Exact Sciences
Classification: Likely benign for CCDC39-related condition. Last evaluated: 2024-02-20. Review status: no assertion criteria provided. Collection method: clinical testing. Allele origin: germline. Not counted in ClinVar's aggregate classification.
Comment: This variant is classified as likely benign based on ACMG/AMP sequence variant interpretation guidelines (Richards et al. 2015 PMID: 25741868, with internal and published modifications).